The following is an entry in ClinVar:

NM_001165963.4(SCN1A):c.3883T>G (p.Ser1295Ala)

Genes: SCN1A (sodium voltage-gated channel alpha subunit 1; minus strand), LOC102724058 (uncharacterized LOC102724058; plus strand). Cytogenetic location: 2q24.3.
Variant type: single nucleotide variant.
Coding change: c.3883T>G on transcript NM_001165963.4 (MANE Select); coding-DNA position 3883, T replaced by G.
Protein change: p.Ser1295Ala; replaces serine 1295 with alanine.
Molecular consequence: missense variant. On other transcripts: non-coding transcript variant (1).
Genome position (GRCh38, 1-based): chr2:166,009,838, A>C on the plus strand (T>G on the coding strand, the complement: SCN1A is on the minus strand). VCF-style: chr2-166009838-A-C. GRCh37 (hg19) VCF-style: chr2-166866348-A-C.
Other names: c.3799T>G, p.Ser1267Ala (NM_001165964.3, NM_001353957.2, NM_001353958.2); c.3883T>G, p.Ser1295Ala (NM_001202435.3, NM_001353948.2); c.3850T>G, p.Ser1284Ala (NM_001353949.2, NM_001353950.2, NM_001353951.2 and 2 more transcripts); c.3847T>G, p.Ser1283Ala (NM_001353954.2, NM_001353955.2); c.3796T>G, p.Ser1266Ala (NM_001353960.2); c.1441T>G, p.Ser481Ala (NM_001353961.2); short protein forms S1267A, S1295A, S481A, S1266A, S1283A, S1284A.
Identifiers: ClinVar variation 2704798 (VCV002704798.3), dbSNP rs2468495160, ClinGen allele CA349053533.
Genomic context (GRCh38, chr2:166,009,838, plus strand): 5'-GAGATTTGATGGCTCCAAGTTCTGAGTAACCCAAGGCATTTGCTGTTAAACTGACCAATG[A>C]AACCTGCACACACAAAAATAATAACAATTAATAAACAGAATCATCATTCAATGTGTAGTT-3'
Protein context (NP_001159435.1, residues 1285-1305): CWLDFLIVDV[Ser1295Ala]LVSLTANALG

ClinVar aggregate classification (germline): Uncertain significance (1 of 4 stars; one submission).

Conditions:
Early-infantile DEE. Also called: Ohtahara syndrome; Early infantile epileptic encephalopathy with suppression bursts; Early infantile epileptic encephalopathy. Identifiers: Orphanet 1934, MedGen C0393706, MONDO:0800491.

Submission:

Labcorp Genetics (formerly Invitae), Labcorp
Classification: Uncertain significance for Early-infantile DEE. Last evaluated: 2023-03-16. Review status: criteria provided, single submitter. Criteria: Invitae Variant Classification Sherloc (09022015). Collection method: clinical testing. Allele origin: germline.
Comment: This variant is not present in population databases (gnomAD no frequency). This sequence change replaces serine, which is neutral and polar, with alanine, which is neutral and non-polar, at codon 1295 of the SCN1A protein (p.Ser1295Ala). This variant has not been reported in the literature in individuals affected with SCN1A-related conditions. Advanced modeling of protein sequence and biophysical properties (such as structural, functional, and spatial information, amino acid conservation, physicochemical variation, residue mobility, and thermodynamic stability) performed at Invitae indicates that this missense variant is expected to disrupt SCN1A protein function. In summary, the available evidence is currently insufficient to determine the role of this variant in disease. Therefore, it has been classified as a Variant of Uncertain Significance.